The following is an entry in ClinVar:

ClinVar aggregate classification (germline): Likely benign. Review status: criteria provided, multiple submitters, no conflicts (2 of 4 stars). 2 submissions from 2 submitters: Likely benign (2). Last evaluated 2026-01-11.

Conditions:
Creatine transporter deficiency (CCDS1). Also called: Creatine Transporter (CRTR) Deficiency; Mental retardation , X-linked with seizures, short stature and midface hypoplasia; Mental retardation , X-linked, with creatine transport deficiency; X-linked creatine transporter deficiency; X-linked creatine deficiency syndrome; SLC6A8-Related Creatine Transporter Deficiency. Identifiers: Orphanet 52503, MedGen C1845862, MONDO:0010305, OMIM 300352.

Allele frequency attached by ClinVar (database versions not stated): gnomAD exomes 0.00001 and 0.00003; ExAC 0.00007.

Submissions (2):

Labcorp Genetics (formerly Invitae), Labcorp
Classification: Likely benign for Creatine transporter deficiency. Last evaluated: 2026-01-11. Review status: criteria provided, single submitter. Criteria: Invitae Variant Classification Sherloc (09022015). Collection method: clinical testing. Allele origin: germline.

GeneDx
Classification: Likely benign. Last evaluated: 2018-02-15. Review status: criteria provided, single submitter. Criteria: GeneDx Variant Classification (06012015). Collection method: clinical testing. Allele origin: germline. Affected: yes.
Comment: This variant is considered likely benign or benign based on one or more of the following criteria: it is a conservative change, it occurs at a poorly conserved position in the protein, it is predicted to be benign by multiple in silico algorithms, and/or has population frequency not consistent with disease.

NM_005629.4(SLC6A8):c.1161C>T (p.Ile387=)

Gene: SLC6A8 (solute carrier family 6 member 8; plus strand). Cytogenetic location: Xq28.
Variant type: single nucleotide variant.
Coding change: c.1161C>T on transcript NM_005629.4 (MANE Select); coding-DNA position 1161, C replaced by T.
Protein change: p.Ile387=; no amino-acid change (isoleucine 387 retained).
Molecular consequence: synonymous variant.
Genome position (GRCh38, 1-based): chrX:153,693,924, C>T. VCF-style: chrX-153693924-C-T. GRCh37 (hg19) VCF-style: chrX-152959379-C-T.
Other names: c.1131C>T, p.Ile377= (NM_001142805.2); c.816C>T, p.Ile272= (NM_001142806.1).
Identifiers: ClinVar variation 515385 (VCV000515385.4), dbSNP rs782582952, ClinGen allele CA10549442.